The following is an entry in ClinVar:

NM_001267550.2(TTN):c.61290T>A (p.Cys20430Ter)

Genes: TTN-AS1 (TTN antisense RNA 1; plus strand), TTN (titin; minus strand). Cytogenetic location: 2q31.2.
Variant type: single nucleotide variant.
Coding change: c.61290T>A on transcript NM_001267550.2 (MANE Select); coding-DNA position 61290, T replaced by A.
Protein change: p.Cys20430Ter; replaces cysteine 20430 with a stop codon.
Molecular consequence: nonsense.
Genome position (GRCh38, 1-based): chr2:178,590,435, A>T on the plus strand (T>A on the coding strand, the complement: TTN is on the minus strand). VCF-style: chr2-178590435-A-T. GRCh37 (hg19) VCF-style: chr2-179455162-A-T.
Other names: c.56367T>A, p.Cys18789Ter (NM_001256850.1); c.34095T>A, p.Cys11365Ter (NM_003319.4); c.53586T>A, p.Cys17862Ter (NM_133378.4); c.34470T>A, p.Cys11490Ter (NM_133432.3); c.34671T>A, p.Cys11557Ter (NM_133437.4); short protein forms C17862*, C20430*, C11365*, C18789*, C11490*, C11557*.
Identifiers: ClinVar variation 2925333 (VCV002925333.3), dbSNP rs2049960403, ClinGen allele CA349474056.

ClinVar aggregate classification (germline): Likely pathogenic (1 of 4 stars; one submission).

Conditions:
Dilated cardiomyopathy 1G (CMD1G). Identifiers: Orphanet 154, MedGen C1858763, MONDO:0011400, OMIM 604145.
Autosomal recessive limb-girdle muscular dystrophy type 2J (LGMDR10). Also called: Limb-girdle muscular dystrophy, type 2J; MUSCULAR DYSTROPHY, LIMB-GIRDLE, AUTOSOMAL RECESSIVE 10. Identifiers: Orphanet 140922, MedGen C1837342, MONDO:0012127, OMIM 608807.

Submission:

Labcorp Genetics (formerly Invitae), Labcorp
Classification: Likely pathogenic for Dilated cardiomyopathy 1G; Autosomal recessive limb-girdle muscular dystrophy type 2J. Last evaluated: 2023-06-14. Review status: criteria provided, single submitter. Criteria: Invitae Variant Classification Sherloc (09022015). Collection method: clinical testing. Allele origin: germline.
Comment: This variant is located in the A band of TTN (PMID: 25589632). Truncating variants in this region are significantly overrepresented in patients affected with dilated cardiomyopathy (PMID: 25589632). Truncating variants in this region have also been reported in individuals affected with autosomal recessive centronuclear myopathy (PMID: 23975875). In summary, the currently available evidence indicates that the variant is pathogenic, but additional data are needed to prove that conclusively. Therefore, this variant has been classified as Likely Pathogenic. This variant is also known as c.56367T>A (p.Cys18789X). This premature translational stop signal has been observed in individual(s) with dilated cardiomyopathy (PMID: 22335739). This variant is not present in population databases (gnomAD no frequency). This sequence change creates a premature translational stop signal (p.Cys20430*) in the TTN gene. While this is not anticipated to result in nonsense mediated decay, it is expected to create a truncated TTN protein.

Literature cited by the submitters: PubMed 25589632; PubMed 23975875; PubMed 22335739.